The following is an entry in ClinVar:

ClinVar aggregate classification (germline): Uncertain significance (1 of 4 stars; one submission).

Conditions:
Ataxia-telangiectasia syndrome (AT). Also called: ATAXIA-TELANGIECTASIA, COMPLEMENTATION GROUP A; ATAXIA-TELANGIECTASIA, FRESNO VARIANT; Ataxia-telangiectasia; Ataxia-telangiectasia, complementation group E; LOUIS-BAR SYNDROME; Cerebello-oculocutaneous telangiectasia. Identifiers: Orphanet 100, MedGen C0004135, MONDO:0008840, OMIM 208900.

Submission:

Labcorp Genetics (formerly Invitae), Labcorp
Classification: Uncertain significance for Ataxia-telangiectasia syndrome. Last evaluated: 2022-12-03. Review status: criteria provided, single submitter. Criteria: Invitae Variant Classification Sherloc (09022015). Collection method: clinical testing. Allele origin: germline.
Comment: In summary, the available evidence is currently insufficient to determine the role of this variant in disease. Therefore, it has been classified as a Variant of Uncertain Significance. Algorithms developed to predict the effect of missense changes on protein structure and function (SIFT, PolyPhen-2, Align-GVGD) all suggest that this variant is likely to be tolerated. This variant has not been reported in the literature in individuals affected with ATM-related conditions. This variant is not present in population databases (gnomAD no frequency). This sequence change replaces serine, which is neutral and polar, with leucine, which is neutral and non-polar, at codon 2057 of the ATM protein (p.Ser2057Leu).

NM_000051.4(ATM):c.6170C>T (p.Ser2057Leu)

Genes: ATM (ATM serine/threonine kinase; plus strand), C11orf65 (chromosome 11 open reading frame 65; minus strand). Cytogenetic location: 11q22.3.
Variant type: single nucleotide variant.
Coding change: c.6170C>T on transcript NM_000051.4 (MANE Select); coding-DNA position 6170, C replaced by T.
Protein change: p.Ser2057Leu; replaces serine 2057 with leucine.
Molecular consequence: missense variant. On other transcripts: intron variant (2).
Genome position (GRCh38, 1-based): chr11:108,316,085, C>T. VCF-style: chr11-108316085-C-T. GRCh37 (hg19) VCF-style: chr11-108186812-C-T.
Other names: c.6170C>T, p.Ser2057Leu (NM_001351834.2); c.641-7014G>A (NM_001330368.2); c.*39-7014G>A (NM_001351110.2); short protein forms S2057L.
Identifiers: ClinVar variation 2955490 (VCV002955490.1), dbSNP rs1591779290, ClinGen allele CA382550682.